The following is an entry in ClinVar:

NM_000784.4(CYP27A1):c.1413T>C (p.Tyr471=)

Gene: CYP27A1 (cytochrome P450 family 27 subfamily A member 1; plus strand). Cytogenetic location: 2q35.
Variant type: single nucleotide variant.
Coding change: c.1413T>C on transcript NM_000784.4 (MANE Select); coding-DNA position 1413, T replaced by C.
Protein change: p.Tyr471=; no amino-acid change (tyrosine 471 retained).
Molecular consequence: synonymous variant.
Genome position (GRCh38, 1-based): chr2:218,814,694, T>C. VCF-style: chr2-218814694-T-C. GRCh37 (hg19) VCF-style: chr2-219679417-T-C.
Identifiers: ClinVar variation 733266 (VCV000733266.12), dbSNP rs549032526, ClinGen allele CA2112890.
Genomic context (GRCh38, chr2:218,814,694, plus strand): 5'-AAACAGCCAGCCTGCTACCCCCAGGATCCAGCACCCATTTGGCTCTGTGCCCTTTGGCTA[T>C]GGGGTCCGGGCCTGCCTGGGCCGCAGGATTGCAGAGCTGGAGATGCAGCTACTCCTCGCA-3'
Protein context (NP_000775.1, residues 461-481): QHPFGSVPFG[Tyr471=]GVRACLGRRI

ClinVar aggregate classification (germline): Likely benign. Review status: criteria provided, multiple submitters, no conflicts (2 of 4 stars). 3 submissions from 3 submitters: Likely benign (2). 1 of the submissions does not count toward it. Last evaluated 2024-03-08.

Conditions:
Cardiovascular phenotype. Identifiers: MedGen CN230736.
CYP27A1-related disorder. Also called: CYP27A1-related condition.
Cholestanol storage disease (CTX). Also called: Cerebrotendinous Xanthomatosis; CTX: Cerebrotendinous xanthomatosis; CEREBRAL CHOLESTERINOSIS. Identifiers: Orphanet 909, MedGen C0238052, MONDO:0008948, OMIM 213700.

Allele frequency attached by ClinVar (database versions not stated): gnomAD exomes 0.00001 and 0.00004; ExAC 0.00002; TOPMed 0.00008; gnomAD 0.00009 and 0.00010; 1000 Genomes Project 30x 0.00016; 1000 Genomes Project 0.00020.
gnomAD v4.1: 28 of 1,614,162 alleles (0.0017%); highest among the groups gnomAD compares: African/African-American, 0.028%; no homozygotes.

Submissions (3):

Labcorp Genetics (formerly Invitae), Labcorp
Classification: Likely benign for Cholestanol storage disease. Last evaluated: 2024-03-08. Review status: criteria provided, single submitter. Criteria: Invitae Variant Classification Sherloc (09022015). Collection method: clinical testing. Allele origin: germline.

Ambry Genetics
Classification: Likely benign for Cardiovascular phenotype. Last evaluated: 2020-02-12. Review status: criteria provided, single submitter. Criteria: Ambry Variant Classification Scheme 2023. Collection method: clinical testing. Allele origin: germline.

PreventionGenetics, part of Exact Sciences
Classification: Likely benign for CYP27A1-related condition. Last evaluated: 2024-09-09. Review status: no assertion criteria provided. Collection method: clinical testing. Allele origin: germline. Not counted in ClinVar's aggregate classification.
Comment: This variant is classified as likely benign based on ACMG/AMP sequence variant interpretation guidelines (Richards et al. 2015 PMID: 25741868, with internal and published modifications).